The following is an entry in ClinVar:

NM_000492.4(CFTR):c.1291A>G (p.Ser431Gly)

Genes: CFTR (CF transmembrane conductance regulator; plus strand), CFTR-AS1 (CFTR antisense RNA 1; minus strand). Cytogenetic location: 7q31.2.
Variant type: single nucleotide variant.
Coding change: c.1291A>G on transcript NM_000492.4 (MANE Select); coding-DNA position 1291, A replaced by G.
Protein change: p.Ser431Gly; replaces serine 431 with glycine.
Molecular consequence: missense variant.
Genome position (GRCh38, 1-based): chr7:117,548,722, A>G. VCF-style: chr7-117548722-A-G. GRCh37 (hg19) VCF-style: chr7-117188776-A-G.
Other names: short protein forms S431G.
Identifiers: ClinVar variation 1801954 (VCV001801954.4), dbSNP rs772853317, ClinGen allele CA4450969.

ClinVar aggregate classification (germline): Uncertain significance. Review status: criteria provided, multiple submitters, no conflicts (2 of 4 stars). 3 submissions from 3 submitters: Uncertain significance (3). Last evaluated 2026-01-28.

Conditions:
Cystic fibrosis (CF). Also called: MUCOVISCIDOSIS. Identifiers: Orphanet 586, MedGen C0010674, MONDO:0009061, OMIM 219700. Disease mechanism: loss of function.

Allele frequency attached by ClinVar (database versions not stated): ExAC 0.00003; gnomAD 0.00001.
gnomAD v4.1: 27 of 1,613,306 alleles (0.0017%); highest among the groups gnomAD compares: South Asian, 0.025%; no homozygotes.

Submissions (3):

Labcorp Genetics (formerly Invitae), Labcorp
Classification: Uncertain significance for Cystic fibrosis. Last evaluated: 2026-01-28. Review status: criteria provided, single submitter. Criteria: Invitae Variant Classification Sherloc (09022015). Collection method: clinical testing. Allele origin: germline.
Comment: This sequence change replaces serine, which is neutral and polar, with glycine, which is neutral and non-polar, at codon 431 of the CFTR protein (p.Ser431Gly). The frequency data for this variant in the population databases is considered unreliable, as metrics indicate poor data quality at this position in the gnomAD database. This missense change has been observed in individual(s) with clinical features of cystic fibrosis (PMID: 25963003). ClinVar contains an entry for this variant (Variation ID: 1801954). Invitae Evidence Modeling of protein sequence and biophysical properties (such as structural, functional, and spatial information, amino acid conservation, physicochemical variation, residue mobility, and thermodynamic stability) indicates that this missense variant is expected to disrupt CFTR protein function with a positive predictive value of 80%. In summary, the available evidence is currently insufficient to determine the role of this variant in disease. Therefore, it has been classified as a Variant of Uncertain Significance.

Women's Health and Genetics/Laboratory Corporation of America, LabCorp
Classification: Uncertain significance. Last evaluated: 2025-10-06. Review status: criteria provided, single submitter. Criteria: LabCorp Variant Classification Summary - May 2015. Collection method: clinical testing. Allele origin: germline.
Comment: Variant summary: CFTR c.1291A>G (p.Ser431Gly) results in a non-conservative amino acid change located in the ABC transporter-like, ATP-binding domain (IPR003439) of the encoded protein sequence. Algorithms developed to predict the effect of missense changes on protein structure and function all suggest that this variant is likely to be disruptive. The variant allele was found at a frequency of 3.3e-05 in 245708 control chromosomes. The available data on variant occurrences in the general population are insufficient to allow any conclusion about variant significance. c.1291A>G has been reported in the literature in a compound heterozygous state with a pathogenic variant in an individual undergoing newborn screening for Cystic Fibrosis without a conclusive diagnosis and with a sweat chloride test result of <30 mmol/L (Ooi_2015). This report does not provide unequivocal conclusions about association of the variant with Cystic Fibrosis. To our knowledge, no experimental evidence demonstrating an impact on protein function has been reported. The following publication has been ascertained in the context of this evaluation (PMID: 25963003). ClinVar contains an entry for this variant (Variation ID: 1801954). Based on the evidence outlined above, the variant was classified as uncertain significance.

GeneDx
Classification: Uncertain significance. Last evaluated: 2022-06-02. Review status: criteria provided, single submitter. Criteria: GeneDx Variant Classification Process June 2021. Collection method: clinical testing. Allele origin: germline. Affected: yes.
Comment: In silico analysis supports that this missense variant does not alter protein structure/function; This variant is associated with the following publications: (PMID: 16840743, 19897426, 25963003)

Literature cited by the submitters: PubMed 25963003 (cited by Labcorp Genetics (formerly Invitae), Labcorp and Women's Health and Genetics/Laboratory Corporation of America, LabCorp).